The following is an entry in ClinVar:

ClinVar aggregate classification (germline): Likely pathogenic (1 of 4 stars; one submission).

Submission:

Labcorp Genetics (formerly Invitae), Labcorp
Classification: Likely pathogenic. Last evaluated: 2025-11-12. Review status: criteria provided, single submitter. Criteria: Invitae Variant Classification Sherloc (09022015). Collection method: clinical testing. Allele origin: germline.
Comment: This sequence change affects an acceptor splice site in intron 14 of the ADAMTSL4 gene. It is expected to disrupt RNA splicing. Variants that disrupt the donor or acceptor splice site typically lead to a loss of protein function (PMID: 16199547), and loss-of-function variants in ADAMTSL4 are known to be pathogenic (PMID: 20564469, 28642162). This variant is not present in population databases (gnomAD no frequency). This variant has not been reported in the literature in individuals affected with ADAMTSL4-related conditions. Algorithms developed to predict the effect of sequence changes on RNA splicing suggest that this variant may disrupt the consensus splice site. In summary, the currently available evidence indicates that the variant is pathogenic, but additional data are needed to prove that conclusively. Therefore, this variant has been classified as Likely Pathogenic.

Literature cited by the submitters: PubMed 16199547; PubMed 20564469; PubMed 28642162.

NM_019032.6(ADAMTSL4):c.2383-2A>G

Gene: ADAMTSL4 (ADAMTS like 4; plus strand). Cytogenetic location: 1q21.2.
Variant type: single nucleotide variant.
Coding change: c.2383-2A>G on transcript NM_019032.6 (MANE Select); the canonical splice acceptor site of the intron before coding-DNA position 2383, A replaced by G.
Molecular consequence: splice acceptor variant.
Genome position (GRCh38, 1-based): chr1:150,558,471, A>G. VCF-style: chr1-150558471-A-G. GRCh37 (hg19) VCF-style: chr1-150530947-A-G.
Other names: c.2452-2A>G (NM_001288608.2); c.2266-2A>G (NM_001288607.2); c.2383-2A>G (NM_001378596.1, NM_025008.5).
Identifiers: ClinVar variation 4811256 (VCV004811256.1).